The following is an entry in ClinVar:

NM_001127644.2(GABRA1):c.59C>T (p.Thr20Ile)

Gene: GABRA1 (gamma-aminobutyric acid type A receptor subunit alpha1; plus strand). Cytogenetic location: 5q34.
Variant type: single nucleotide variant.
Coding change: c.59C>T on transcript NM_001127644.2 (MANE Select); coding-DNA position 59, C replaced by T.
Protein change: p.Thr20Ile; replaces threonine 20 with isoleucine.
Molecular consequence: missense variant.
Genome position (GRCh38, 1-based): chr5:161,850,869, C>T. VCF-style: chr5-161850869-C-T. GRCh37 (hg19) VCF-style: chr5-161277875-C-T.
Other names: c.59C>T, p.Thr20Ile (NM_000806.5, NM_001127643.2, NM_001127645.2 and 1 more transcripts); short protein forms T20I.
Identifiers: ClinVar variation 546090 (VCV000546090.13), dbSNP rs756553428, ClinGen allele CA3544313.

ClinVar aggregate classification (germline): Conflicting classifications of pathogenicity. Review status: criteria provided, conflicting classifications (1 of 4 stars). 3 submissions from 3 submitters: Uncertain significance (1); Likely benign (2). Last evaluated 2025-10-15.

Conditions:
Idiopathic generalized epilepsy. Also called: Generalised epilepsy; EIG. Identifiers: MedGen C0270850, MONDO:0005579, OMIM 600669.
Epilepsy, childhood absence 4 (ECA4). Also called: EPILEPSY, CHILDHOOD ABSENCE, SUSCEPTIBILITY TO, 4. Identifiers: Orphanet 307, MedGen C1970160.
Epilepsy, idiopathic generalized, susceptibility to, 13. Also called: EPILEPSY, JUVENILE MYOCLONIC, SUSCEPTIBILITY TO, 5. Identifiers: Orphanet 307, Orphanet 64280, MedGen C4013473, MONDO:0012627, OMIM 611136.
Inborn genetic diseases. Identifiers: MedGen C0950123, MeSH D030342.

Allele frequency attached by ClinVar (database versions not stated): gnomAD exomes 0.00002 and 0.00004; TOPMed 0.00002; ExAC 0.00002.
gnomAD v4.1: 12 of 1,613,730 alleles (0.00074%); highest among the groups gnomAD compares: Admixed American, 0.018%; no homozygotes.

Submissions (3):

Labcorp Genetics (formerly Invitae), Labcorp
Classification: Likely benign for Epilepsy, childhood absence 4; Epilepsy, idiopathic generalized, susceptibility to, 13; Idiopathic generalized epilepsy. Last evaluated: 2025-10-15. Review status: criteria provided, single submitter. Criteria: Invitae Variant Classification Sherloc (09022015). Collection method: clinical testing. Allele origin: germline.

GeneDx
Classification: Likely benign. Last evaluated: 2020-07-01. Review status: criteria provided, single submitter. Criteria: GeneDx Variant Classification Process June 2021. Collection method: clinical testing. Allele origin: germline. Affected: yes.
Comment: This variant is associated with the following publications: (PMID: 21703448, 27622563)

Ambry Genetics
Classification: Uncertain significance for Inborn genetic diseases. Last evaluated: 2017-12-15. Review status: criteria provided, single submitter. Criteria: Ambry Variant Classification Scheme 2023. Collection method: clinical testing. Allele origin: germline.
Comment: The p.T20I variant (also known as c.59C>T), located in coding exon 1 of the GABRA1 gene, results from a C to T substitution at nucleotide position 59. The threonine at codon 20 is replaced by isoleucine, an amino acid with similar properties. This variant has been detected in patient(s) with sporadic idiopathic epilepsy, but not in controls (Klassen T et al. Cell, 2011 Jun;145:1036-48). The threonine residue is located in signal peptide; the T20I mutant protein did not reduce current, but resulted in gating defect (Hernandez CC et al. PLoS ONE, 2016 Sep;11:e0162883). This amino acid position is not well conserved in available vertebrate species. In addition, the in silico prediction for this alteration is inconclusive. Since supporting evidence is limited at this time, the clinical significance of this alteration remains unclear.

Literature cited by the submitters: PubMed 21703448 (cited by Ambry Genetics); PubMed 27622563 (cited by Ambry Genetics).